The following is an entry in ClinVar:

NM_006516.4(SLC2A1):c.972+17T>A

Gene: SLC2A1 (solute carrier family 2 member 1; minus strand). Cytogenetic location: 1p34.2.
Variant type: single nucleotide variant.
Coding change: c.972+17T>A on transcript NM_006516.4 (MANE Select); 17 bases into the intron after coding-DNA position 972, T replaced by A.
Molecular consequence: intron variant.
Genome position (GRCh38, 1-based): chr1:42,929,193, A>T on the plus strand (T>A on the coding strand, the complement: SLC2A1 is on the minus strand). VCF-style: chr1-42929193-A-T. GRCh37 (hg19) VCF-style: chr1-43394864-A-T.
Identifiers: ClinVar variation 378611 (VCV000378611.13), dbSNP rs202140308, ClinGen allele CA803395.

ClinVar aggregate classification (germline): Likely benign. Review status: criteria provided, multiple submitters, no conflicts (2 of 4 stars). 9 submissions from 5 submitters: Likely benign (9). Last evaluated 2026-01-21.

Conditions:
GLUT1 deficiency syndrome 1, autosomal recessive. Identifiers: MedGen C3149117.
Childhood onset GLUT1 deficiency syndrome 2. Also called: Paroxysmal exercise-induced dystonia; PAROXYSMAL EXERCISE-INDUCED DYSKINESIA WITH OR WITHOUT EPILEPSY AND/OR HEMOLYTIC ANEMIA; PAROXYSMAL EXERTION-INDUCED DYSTONIA WITH OR WITHOUT EPILEPSY AND/OR HEMOLYTIC ANEMIA; PED WITH OR WITHOUT EPILEPSY AND/OR HEMOLYTIC ANEMIA; GLUT1 deficiency syndrome 2; PxMD-SLC2A1. Identifiers: Orphanet 98811, MedGen C1842534, MONDO:0012805, OMIM 612126.
Encephalopathy due to GLUT1 deficiency. Also called: GLUCOSE TRANSPORT DEFECT, BLOOD-BRAIN BARRIER; GLUT1 deficiency syndrome 1, infantile onset, severe; De Vivo disease; GLUT1 deficiency syndrome 1; Glucose transporter protein syndrome; Classic Glucose Transporter Type 1 Deficiency Syndrome. Identifiers: Orphanet 71277, MedGen C4551966, MONDO:0011724, OMIM 606777.
Inborn genetic diseases. Identifiers: MedGen C0950123, MeSH D030342.
Hereditary cryohydrocytosis with reduced stomatin. Also called: Stomatin-deficient cryohydrocytosis with neurologic defects; GLUT1 DEFICIENCY SYNDROME WITH PSEUDOHYPERKALEMIA AND HEMOLYSIS. Identifiers: Orphanet 168577, MedGen C1837206, MONDO:0012143, OMIM 608885.
Epilepsy, idiopathic generalized, susceptibility to, 12 (EIG12). Identifiers: MedGen C3553859, MONDO:0013919, OMIM 614847.
Dystonia 9 (DYT9). Also called: CHOREOATHETOSIS, KINESIGENIC, WITH EPISODIC ATAXIA AND SPASTICITY. Identifiers: Orphanet 53583, MedGen C1832855, MONDO:0010983, OMIM 601042.

Allele frequency attached by ClinVar (database versions not stated): ESP Exome Variant Server 0.00008; TOPMed 0.00014; gnomAD 0.00017 and 0.00019; 1000 Genomes Project 30x 0.00047; 1000 Genomes Project 0.00060.

Submissions (9):

Labcorp Genetics (formerly Invitae), Labcorp
Classification: Likely benign for GLUT1 deficiency syndrome 1, autosomal recessive. Last evaluated: 2026-01-21. Review status: criteria provided, single submitter. Criteria: Invitae Variant Classification Sherloc (09022015). Collection method: clinical testing. Allele origin: germline.

Blueprint Genetics
Classification: Likely benign. Last evaluated: 2024-09-12. Review status: criteria provided, single submitter. Criteria: ACMG Guidelines, 2015. Collection method: clinical testing. Allele origin: germline.

Ambry Genetics
Classification: Likely benign for Inborn genetic diseases. Last evaluated: 2023-07-28. Review status: criteria provided, single submitter. Criteria: Ambry Variant Classification Scheme 2023. Collection method: clinical testing. Allele origin: germline.

Genome-Nilou Lab
Classification: Likely benign for Epilepsy, idiopathic generalized, susceptibility to, 12. Last evaluated: 2023-04-11. Review status: criteria provided, single submitter. Criteria: ACMG Guidelines, 2015. Collection method: clinical testing. Allele origin: germline. Affected: no.

Genome-Nilou Lab
Classification: Likely benign for Dystonia 9. Last evaluated: 2023-04-11. Review status: criteria provided, single submitter. Criteria: ACMG Guidelines, 2015. Collection method: clinical testing. Allele origin: germline. Affected: no.

Genome-Nilou Lab
Classification: Likely benign for Encephalopathy due to GLUT1 deficiency. Last evaluated: 2023-04-11. Review status: criteria provided, single submitter. Criteria: ACMG Guidelines, 2015. Collection method: clinical testing. Allele origin: germline. Affected: no.

Genome-Nilou Lab
Classification: Likely benign for Childhood onset GLUT1 deficiency syndrome 2. Last evaluated: 2023-04-11. Review status: criteria provided, single submitter. Criteria: ACMG Guidelines, 2015. Collection method: clinical testing. Allele origin: germline. Affected: no.

Genome-Nilou Lab
Classification: Likely benign for Hereditary cryohydrocytosis with reduced stomatin. Last evaluated: 2023-04-11. Review status: criteria provided, single submitter. Criteria: ACMG Guidelines, 2015. Collection method: clinical testing. Allele origin: germline. Affected: no.

GeneDx
Classification: Likely benign. Last evaluated: 2018-05-15. Review status: criteria provided, single submitter. Criteria: GeneDx Variant Classification Process June 2021. Collection method: clinical testing. Allele origin: germline. Affected: yes.
Comment: This variant is associated with the following publications: (PMID: 21135204)